The following is an entry in ClinVar:

NM_001376.5(DYNC1H1):c.10713C>G (p.Asp3571Glu)

Gene: DYNC1H1 (dynein cytoplasmic 1 heavy chain 1; plus strand). Cytogenetic location: 14q32.31.
Variant type: single nucleotide variant.
Coding change: c.10713C>G on transcript NM_001376.5 (MANE Select); coding-DNA position 10713, C replaced by G.
Protein change: p.Asp3571Glu; replaces aspartic acid 3571 with glutamic acid.
Molecular consequence: missense variant.
Genome position (GRCh38, 1-based): chr14:102,034,411, C>G. VCF-style: chr14-102034411-C-G. GRCh37 (hg19) VCF-style: chr14-102500748-C-G.
Other names: short protein forms D3571E.
Identifiers: ClinVar variation 3361274 (VCV003361274.1).
Genomic context (GRCh38, chr14:102,034,411, plus strand): 5'-ATACCTTTCCAATGCTGATGAGCGTCTTCGCTGGCAGGCCAGCTCCTTGCCTGCTGATGA[C>G]CTTTGCACAGAAAATGCCATCATGCTGAAACGATTCAATAGGTATGAGCTCGGGTGCCAA-3'
Protein context (NP_001367.2, residues 3561-3581): RWQASSLPAD[Asp3571Glu]LCTENAIMLK

ClinVar aggregate classification (germline): Uncertain significance (1 of 4 stars; one submission).

Submission:

GeneDx
Classification: Uncertain significance. Last evaluated: 2023-07-19. Review status: criteria provided, single submitter. Criteria: GeneDx Variant Classification Process June 2021. Collection method: clinical testing. Allele origin: germline. Affected: yes.
Comment: Not observed at significant frequency in large population cohorts (gnomAD); In silico analysis supports that this missense variant has a deleterious effect on protein structure/function; Has not been previously published as pathogenic or benign to our knowledge; This variant is associated with the following publications: (PMID: 26100331, 25609763, 25512093)